The following is an entry in ClinVar:

ClinVar aggregate classification (germline): Conflicting classifications of pathogenicity. Review status: criteria provided, conflicting classifications (1 of 4 stars). 2 submissions from 2 submitters: Likely pathogenic (1); Uncertain significance (1). Last evaluated 2024-10-01.

Conditions:
Retinitis pigmentosa 26 (RP26). Identifiers: Orphanet 791, MedGen C1842127, MONDO:0012024, OMIM 608380.
Retinitis pigmentosa (RP). Identifiers: Orphanet 791, MedGen C0035334, MeSH D012174, MONDO:0019200, OMIM 268000. Inheritance: Autosomal dominant, autosomal recessive and X linked inheritance.

Submissions (2):

Lab De Baere, Eye and Developmental Genetics Lab, Ghent University
Classification: Likely pathogenic for Retinitis pigmentosa. Last evaluated: 2024-10-01. Review status: criteria provided, single submitter. Criteria: ACMG Guidelines, 2015. Collection method: research. Allele origin: inherited. Affected: yes. Observed: 1 variant allele.
Comment: ACMG/AMP guidelines: PM2, PP4_PP, PM4, PP1, PM3_PP

3billion
Classification: Uncertain significance for Retinitis pigmentosa 26. Last evaluated: 2022-01-03. Review status: criteria provided, single submitter. Criteria: ACMG Guidelines, 2015. Collection method: clinical testing. Allele origin: germline. Affected: yes. Observed: 1 homozygote.
Comment: This inframe deletion in the non-repeat region can change the length of the protein and disrupt protein function (PM4_M). It is not observed in the gnomAD v2.1.1 dataset (PM2_M). Therefore, this variant is classified as uncertain significance according to the recommendation of ACMG/AMP guideline.

NM_201548.5(CERKL):c.560_568del (p.Tyr187_Val190delinsPhe)

Gene: CERKL (CERK like autophagy regulator; minus strand). Cytogenetic location: 2q31.3.
Variant type: Deletion.
Coding change: c.560_568del on transcript NM_201548.5 (MANE Select); coding-DNA positions 560 to 568, 9 bases deleted (ATGAGAAGG; older notation c.560_568delATGAGAAGG).
Protein change: p.Tyr187_Val190delinsPhe.
Molecular consequence: inframe indel. On other transcripts: non-coding transcript variant (1), intron variant (2).
Genome position (GRCh38, 1-based): chr2:181,573,798-181,573,806, CCTTCTCAT deleted on the plus strand (ATGAGAAGG on the coding strand, the reverse complement: CERKL is on the minus strand). VCF-style (leftmost placement, unchanged base first): chr2-181573797-ACCTTCTCAT-A. GRCh37 (hg19) VCF-style: chr2-182438524-ACCTTCTCAT-A.
Other names: c.560_568del (NM_201548.4); c.560_568del, p.Tyr187_Val190delinsPhe (NM_001030311.3, NM_001030313.3); c.482-24098_482-24090del (NM_001030312.3); c.482-7685_482-7677del (NM_001160277.2).
Identifiers: ClinVar variation 1333339 (VCV001333339.2), dbSNP rs2105846538, ClinGen allele CA2573051812.
Genomic context (GRCh38, chr2:181,573,797, plus strand): 5'-TCTGAAAATTACTTACTTGTTACATCAGTTTTTATTCCTGCAAGCTTCAACAGAGGTTCA[ACCTTCTCAT>A]AATAAACCTGGGTAGCTTCTTTTTTGTGACTTTGGGGGTTAAGGAGTATTTTTAATGACT-3'